The following is an entry in ClinVar:

NM_000490.5(AVP):c.105C>G (p.Asp35Glu)

Gene: AVP (arginine vasopressin; minus strand). Cytogenetic location: 20p13.
Variant type: single nucleotide variant.
Coding change: c.105C>G on transcript NM_000490.5 (MANE Select); coding-DNA position 105, C replaced by G.
Protein change: p.Asp35Glu; replaces aspartic acid 35 with glutamic acid.
Molecular consequence: missense variant.
Genome position (GRCh38, 1-based): chr20:3,084,570, G>C on the plus strand (C>G on the coding strand, the complement: AVP is on the minus strand). VCF-style: chr20-3084570-G-C. GRCh37 (hg19) VCF-style: chr20-3065216-G-C.
Other names: short protein forms D35E.
Identifiers: ClinVar variation 2892590 (VCV002892590.4), dbSNP rs147447861, ClinGen allele CA9739488.

ClinVar aggregate classification (germline): Uncertain significance. Review status: criteria provided, multiple submitters, no conflicts (2 of 4 stars). 2 submissions from 2 submitters: Uncertain significance (2). Last evaluated 2024-03-19.

Conditions:
Neurohypophyseal diabetes insipidus. Also called: Diabetes Insipidus, Neurogenic; Hereditary arginine vasopressin deficiency; DIABETES INSIPIDUS, PRIMARY CENTRAL. Identifiers: Orphanet 178029, Orphanet 30925, MedGen C0342394, MONDO:0007450, OMIM 125700.

Allele frequency attached by ClinVar (database versions not stated): ExAC 0.00008; ESP Exome Variant Server 0.00031; 1000 Genomes Project 0.00060; 1000 Genomes Project 30x 0.00078.
gnomAD v4.1: 38 of 1,613,990 alleles (0.0024%); highest among the groups gnomAD compares: African/African-American, 0.04%; no homozygotes.

Submissions (2):

Fulgent Genetics
Classification: Uncertain significance for Neurohypophyseal diabetes insipidus. Last evaluated: 2024-03-19. Review status: criteria provided, single submitter. Criteria: ACMG Guidelines, 2015. Collection method: clinical testing. Allele origin: germline.

Labcorp Genetics (formerly Invitae), Labcorp
Classification: Uncertain significance. Last evaluated: 2023-08-31. Review status: criteria provided, single submitter. Criteria: Invitae Variant Classification Sherloc (09022015). Collection method: clinical testing. Allele origin: germline.
Comment: This variant is present in population databases (rs147447861, gnomAD 0.06%), and has an allele count higher than expected for a pathogenic variant. This sequence change replaces aspartic acid, which is acidic and polar, with glutamic acid, which is acidic and polar, at codon 35 of the AVP protein (p.Asp35Glu). This variant has not been reported in the literature in individuals affected with AVP-related conditions. An algorithm developed to predict the effect of missense changes on protein structure and function (PolyPhen-2) suggests that this variant is likely to be tolerated. In summary, the available evidence is currently insufficient to determine the role of this variant in disease. Therefore, it has been classified as a Variant of Uncertain Significance.